The following is an entry in ClinVar:

NM_001369.3(DNAH5):c.8618A>G (p.Asp2873Gly)

Gene: DNAH5 (dynein axonemal heavy chain 5; minus strand). Cytogenetic location: 5p15.2.
Variant type: single nucleotide variant.
Coding change: c.8618A>G on transcript NM_001369.3 (MANE Select); coding-DNA position 8618, A replaced by G.
Protein change: p.Asp2873Gly; replaces aspartic acid 2873 with glycine.
Molecular consequence: missense variant.
Genome position (GRCh38, 1-based): chr5:13,788,745, T>C on the plus strand (A>G on the coding strand, the complement: DNAH5 is on the minus strand). VCF-style: chr5-13788745-T-C. GRCh37 (hg19) VCF-style: chr5-13788854-T-C.
Other names: short protein forms D2873G.
Identifiers: ClinVar variation 1001561 (VCV001001561.9), dbSNP rs1347729037, ClinGen allele CA359217116.

ClinVar aggregate classification (germline): Uncertain significance (1 of 4 stars; one submission).

Conditions:
Primary ciliary dyskinesia. Also called: Ciliary dyskinesia. Identifiers: Orphanet 244, MedGen C0008780, MONDO:0016575, HP:0012265.

Allele frequency attached by ClinVar (database versions not stated): gnomAD exomes below 0.00001.
gnomAD v4.1: 1 of 1,614,104 alleles (0.000062%); highest among the groups gnomAD compares: Admixed American, 0.0017%; no homozygotes.

Submission:

Labcorp Genetics (formerly Invitae), Labcorp
Classification: Uncertain significance for Primary ciliary dyskinesia. Last evaluated: 2020-03-14. Review status: criteria provided, single submitter. Criteria: Invitae Variant Classification Sherloc (09022015). Collection method: clinical testing. Allele origin: germline.
Comment: This sequence change replaces aspartic acid with glycine at codon 2873 of the DNAH5 protein (p.Asp2873Gly). The aspartic acid residue is highly conserved and there is a moderate physicochemical difference between aspartic acid and glycine. This variant is not present in population databases (ExAC no frequency). This variant has not been reported in the literature in individuals with DNAH5-related conditions. Algorithms developed to predict the effect of missense changes on protein structure and function are either unavailable or do not agree on the potential impact of this missense change (SIFT: "Deleterious"; PolyPhen-2: "Possibly Damaging"; Align-GVGD: "Class C0"). In summary, the available evidence is currently insufficient to determine the role of this variant in disease. Therefore, it has been classified as a Variant of Uncertain Significance.